The following is an entry in ClinVar:

NM_000271.5(NPC1):c.2598G>T (p.Met866Ile)

Gene: NPC1 (NPC intracellular cholesterol transporter 1; minus strand). Cytogenetic location: 18q11.2.
Variant type: single nucleotide variant.
Coding change: c.2598G>T on transcript NM_000271.5 (MANE Select); coding-DNA position 2598, G replaced by T.
Protein change: p.Met866Ile; replaces methionine 866 with isoleucine.
Molecular consequence: missense variant.
Genome position (GRCh38, 1-based): chr18:23,540,454, C>A on the plus strand (G>T on the coding strand, the complement: NPC1 is on the minus strand). VCF-style: chr18-23540454-C-A. GRCh37 (hg19) VCF-style: chr18-21120418-C-A.
Other names: short protein forms M866I.
Identifiers: ClinVar variation 498823 (VCV000498823.8), dbSNP rs1019159514, ClinGen allele CA297081765.

ClinVar aggregate classification (germline): Uncertain significance. Review status: criteria provided, multiple submitters, no conflicts (2 of 4 stars). 3 submissions from 3 submitters: Uncertain significance (3). Last evaluated 2022-03-02.

Conditions:
Niemann-Pick disease, type C1. Also called: NEUROVISCERAL STORAGE DISEASE WITH VERTICAL SUPRANUCLEAR OPHTHALMOPLEGIA; NIEMANN-PICK DISEASE WITH CHOLESTEROL ESTERIFICATION BLOCK; NIEMANN-PICK DISEASE WITHOUT SPHINGOMYELINASE DEFICIENCY; NIEMANN-PICK DISEASE, CHRONIC NEURONOPATHIC FORM; NIEMANN-PICK DISEASE, VARIANT TYPE C1. Identifiers: Orphanet 646, MedGen C3179455, MONDO:0009757, OMIM 257220.

Allele frequency attached by ClinVar (database versions not stated): gnomAD exomes below 0.00001 and 0.00002; gnomAD 0.00002; TOPMed 0.00002.
gnomAD v4.1: 29 of 1,588,342 alleles (0.0018%); highest among the groups gnomAD compares: Non-Finnish European, 0.0024%; no homozygotes.

Submissions (3):

Fulgent Genetics
Classification: Uncertain significance for Niemann-Pick disease, type C1. Last evaluated: 2022-03-02. Review status: criteria provided, single submitter. Criteria: ACMG Guidelines, 2015. Collection method: clinical testing. Allele origin: unknown.

Labcorp Genetics (formerly Invitae), Labcorp
Classification: Uncertain significance for Niemann-Pick disease, type C1. Last evaluated: 2021-11-15. Review status: criteria provided, single submitter. Criteria: Invitae Variant Classification Sherloc (09022015). Collection method: clinical testing. Allele origin: germline.
Comment: This sequence change replaces methionine, which is neutral and non-polar, with isoleucine, which is neutral and non-polar, at codon 866 of the NPC1 protein (p.Met866Ile). The frequency data for this variant in the population databases is considered unreliable, as metrics indicate poor data quality at this position in the gnomAD database. This variant has not been reported in the literature in individuals affected with NPC1-related conditions. ClinVar contains an entry for this variant (Variation ID: 498823). Algorithms developed to predict the effect of missense changes on protein structure and function (SIFT, PolyPhen-2, Align-GVGD) all suggest that this variant is likely to be tolerated. In summary, the available evidence is currently insufficient to determine the role of this variant in disease. Therefore, it has been classified as a Variant of Uncertain Significance.

Eurofins Ntd Llc (ga)
Classification: Uncertain significance. Last evaluated: 2016-11-23. Review status: criteria provided, single submitter. Criteria: EGL Classification Definitions 2015. Collection method: clinical testing. Allele origin: germline. Observed: 1 variant allele, 1 heterozygote.